The following is an entry in ClinVar:

ClinVar aggregate classification (germline): Uncertain significance (1 of 4 stars; one submission).

Conditions:
Age related macular degeneration 4. Identifiers: MedGen C1853147, MONDO:0012540, OMIM 610698.

Submission:

Genomenon, Inc
Classification: Uncertain significance for Age related macular degeneration 4. Last evaluated: 2025-10-02. Review status: criteria provided, single submitter. Criteria: Genomenon Sequence Variant Interpretation Standards - Updated. Collection method: curation. Allele origin: germline. Affected: yes.
Comment: CFH p.Asp454Ala (c.1361A>C) is a missense variant that changes the amino acid at residue 454 from Aspartic acid to Alanine. This variant has been observed in at least one proband affected with age-related macular degeneration (PMID:26501415). It is absent or not present at a significant frequency in gnomAD. In silico models agree that this variant is not damaging. In conclusion, we classify CFH p.Asp454Ala (c.1361A>C) as a variant of uncertain significance.

Literature cited by the submitters: PubMed 26501415.

NM_000186.4(CFH):c.1361A>C (p.Asp454Ala)

Gene: CFH (complement factor H; plus strand). Cytogenetic location: 1q31.3.
Variant type: single nucleotide variant.
Coding change: c.1361A>C on transcript NM_000186.4 (MANE Select); coding-DNA position 1361, A replaced by C.
Protein change: p.Asp454Ala; replaces aspartic acid 454 with alanine.
Molecular consequence: missense variant.
Genome position (GRCh38, 1-based): chr1:196,713,759, A>C. VCF-style: chr1-196713759-A-C. GRCh37 (hg19) VCF-style: chr1-196682889-A-C.
Other names: short protein forms D454A.
Identifiers: ClinVar variation 4291388 (VCV004291388.1).